The following is an entry in ClinVar:

NM_001130009.3(GEN1):c.1760C>T (p.Thr587Ile)

Gene: GEN1 (GEN1 structure-specific endonuclease; plus strand). Cytogenetic location: 2p24.2.
Variant type: single nucleotide variant.
Coding change: c.1760C>T on transcript NM_001130009.3 (MANE Select); coding-DNA position 1760, C replaced by T.
Protein change: p.Thr587Ile; replaces threonine 587 with isoleucine.
Molecular consequence: missense variant.
Genome position (GRCh38, 1-based): chr2:17,780,972, C>T. VCF-style: chr2-17780972-C-T. GRCh37 (hg19) VCF-style: chr2-17962239-C-T.
Other names: c.1760C>T (NM_001130009.1); c.1760C>T, p.Thr587Ile (NM_182625.5); short protein forms T587I.
Identifiers: ClinVar variation 3710068 (VCV003710068.3).
Genomic context (GRCh38, chr2:17,780,972, plus strand): 5'-CTAGTCAACCCAATACCTCATCTCATAATATATCCGTGATTGCTGATCTACACTTGAGCA[C>T]TATTGACTGGGAAGGTACTTCTTTTAGTAATTCTCCAGCTATTCAAAGGAATACTTTTTC-3'
Protein context (NP_001123481.3, residues 577-597): ISVIADLHLS[Thr587Ile]IDWEGTSFSN

ClinVar aggregate classification (germline): Uncertain significance. Review status: criteria provided, multiple submitters, no conflicts (2 of 4 stars). 2 submissions from 2 submitters: Uncertain significance (2). Last evaluated 2025-11-07.

gnomAD v4.1: 7 of 1,613,342 alleles (0.00043%); highest among the groups gnomAD compares: African/African-American, 0.004%; no homozygotes.

Submissions (2):

Ambry Genetics
Classification: Uncertain significance. Last evaluated: 2025-11-07. Review status: criteria provided, single submitter. Criteria: Ambry Variant Classification Scheme 2023. Collection method: clinical testing. Allele origin: germline.
Comment: The p.T587I variant (also known as c.1760C>T), located in coding exon 13 of the GEN1 gene, results from a C to T substitution at nucleotide position 1760. The threonine at codon 587 is replaced by isoleucine, an amino acid with similar properties. This amino acid position is conserved. In addition, this alteration is predicted to be tolerated by in silico analysis. Based on the available evidence, the clinical significance of this variant remains unclear.

Labcorp Genetics (formerly Invitae), Labcorp
Classification: Uncertain significance. Last evaluated: 2024-12-29. Review status: criteria provided, single submitter. Criteria: Invitae Variant Classification Sherloc (09022015). Collection method: clinical testing. Allele origin: germline.
Comment: This sequence change replaces threonine, which is neutral and polar, with isoleucine, which is neutral and non-polar, at codon 587 of the GEN1 protein (p.Thr587Ile). This variant is present in population databases (rs112224689, gnomAD 0.003%). This variant has not been reported in the literature in individuals affected with GEN1-related conditions. An algorithm developed to predict the effect of missense changes on protein structure and function (PolyPhen-2) suggests that this variant is likely to be disruptive. In summary, the available evidence is currently insufficient to determine the role of this variant in disease. Therefore, it has been classified as a Variant of Uncertain Significance.